The following is an entry in ClinVar:

ClinVar aggregate classification (germline): Uncertain significance. Review status: criteria provided, multiple submitters, no conflicts (2 of 4 stars). 2 submissions from 2 submitters: Uncertain significance (2). Last evaluated 2024-10-01.

Allele frequency attached by ClinVar (database versions not stated): gnomAD exomes below 0.00001; ExAC 0.00001.
gnomAD v4.1: 6 of 1,612,990 alleles (0.00037%); highest among the groups gnomAD compares: Non-Finnish European, 0.00051%; no homozygotes.

Submissions (2):

CeGaT Center for Human Genetics Tuebingen
Classification: Uncertain significance. Last evaluated: 2024-10-01. Review status: criteria provided, single submitter. Criteria: CeGaT Center For Human Genetics Tuebingen Variant Classification Criteria Version 2. Collection method: clinical testing. Allele origin: germline. Affected: yes. Observed: 1 variant allele.
Comment: KMT2B: PM2, BP4

Labcorp Genetics (formerly Invitae), Labcorp
Classification: Uncertain significance. Last evaluated: 2023-08-10. Review status: criteria provided, single submitter. Criteria: Invitae Variant Classification Sherloc (09022015). Collection method: clinical testing. Allele origin: germline.
Comment: In summary, the available evidence is currently insufficient to determine the role of this variant in disease. Therefore, it has been classified as a Variant of Uncertain Significance. Advanced modeling of protein sequence and biophysical properties (such as structural, functional, and spatial information, amino acid conservation, physicochemical variation, residue mobility, and thermodynamic stability) performed at Invitae indicates that this missense variant is not expected to disrupt KMT2B protein function. This variant has not been reported in the literature in individuals affected with KMT2B-related conditions. This variant is present in population databases (rs762658603, gnomAD 0.0009%). This sequence change replaces proline, which is neutral and non-polar, with serine, which is neutral and polar, at codon 1855 of the KMT2B protein (p.Pro1855Ser).

NM_014727.3(KMT2B):c.5563C>T (p.Pro1855Ser)

Gene: KMT2B (lysine methyltransferase 2B; plus strand). Cytogenetic location: 19q13.12.
Variant type: single nucleotide variant.
Coding change: c.5563C>T on transcript NM_014727.3 (MANE Select); coding-DNA position 5563, C replaced by T.
Protein change: p.Pro1855Ser; replaces proline 1855 with serine.
Molecular consequence: missense variant.
Genome position (GRCh38, 1-based): chr19:35,732,033, C>T. VCF-style: chr19-35732033-C-T. GRCh37 (hg19) VCF-style: chr19-36222934-C-T.
Other names: short protein forms P1855S.
Identifiers: ClinVar variation 3015489 (VCV003015489.17), dbSNP rs762658603, ClinGen allele CA9385452.